The following is an entry in ClinVar:

ClinVar aggregate classification (germline): Uncertain significance (1 of 4 stars; one submission).

Conditions:
Rolandic epilepsy, impaired intellectual development, and speech dyspraxia, X-linked. Also called: Rolandic epilepsy, impaired intellectual development, and speech dyspraxia; Rolandic epilepsy, intellectual disability, and speech dyspraxia, X-linked. Identifiers: MedGen C1845070, MONDO:0010388, OMIM 300643.

Allele frequency attached by ClinVar (database versions not stated): gnomAD exomes 0.00003 and 0.00002; gnomAD 0.00002; ExAC 0.00008; 1000 Genomes Project 0.00026; 1000 Genomes Project 30x 0.00021.

Submission:

Labcorp Genetics (formerly Invitae), Labcorp
Classification: Uncertain significance for Rolandic epilepsy, impaired intellectual development, and speech dyspraxia, X-linked. Last evaluated: 2020-08-14. Review status: criteria provided, single submitter. Criteria: Invitae Variant Classification Sherloc (09022015). Collection method: clinical testing. Allele origin: germline.
Comment: Algorithms developed to predict the effect of missense changes on protein structure and function output the following: SIFT: "Tolerated"; PolyPhen-2: "Benign"; Align-GVGD: "Class C0". The valine amino acid residue is found in multiple mammalian species, suggesting that this missense change does not adversely affect protein function. These predictions have not been confirmed by published functional studies and their clinical significance is uncertain. This variant has not been reported in the literature in individuals with SRPX2-related conditions. This variant is present in population databases (rs780126596, ExAC 0.07%). This sequence change replaces alanine with valine at codon 320 of the SRPX2 protein (p.Ala320Val). The alanine residue is weakly conserved and there is a small physicochemical difference between alanine and valine. In summary, the available evidence is currently insufficient to determine the role of this variant in disease. Therefore, it has been classified as a Variant of Uncertain Significance.

NM_014467.3(SRPX2):c.959C>T (p.Ala320Val)

Gene: SRPX2 (sushi repeat containing protein X-linked 2; plus strand). Cytogenetic location: Xq22.1.
Variant type: single nucleotide variant.
Coding change: c.959C>T on transcript NM_014467.3 (MANE Select); coding-DNA position 959, C replaced by T.
Protein change: p.Ala320Val; replaces alanine 320 with valine.
Molecular consequence: missense variant.
Genome position (GRCh38, 1-based): chrX:100,666,931, C>T. VCF-style: chrX-100666931-C-T. GRCh37 (hg19) VCF-style: chrX-99921928-C-T.
Other names: short protein forms A320V.
Identifiers: ClinVar variation 1051415 (VCV001051415.9), dbSNP rs780126596, ClinGen allele CA10469602.